The following is an entry in ClinVar:

ClinVar aggregate classification (germline): Uncertain significance. Review status: criteria provided, multiple submitters, no conflicts (2 of 4 stars). 3 submissions from 3 submitters: Uncertain significance (3). Last evaluated 2025-01-01.

Conditions:
Inborn genetic diseases. Identifiers: MedGen C0950123, MeSH D030342.

Allele frequency attached by ClinVar (database versions not stated): gnomAD exomes 0.00003 and 0.00006; TOPMed 0.00005; gnomAD 0.00006; ESP Exome Variant Server 0.00008.
gnomAD v4.1: 103 of 1,612,026 alleles (0.0064%); highest among the groups gnomAD compares: Non-Finnish European, 0.0078%; no homozygotes.

Submissions (3):

Labcorp Genetics (formerly Invitae), Labcorp
Classification: Uncertain significance. Last evaluated: 2025-01-01. Review status: criteria provided, single submitter. Criteria: Invitae Variant Classification Sherloc (09022015). Collection method: clinical testing. Allele origin: germline.
Comment: This sequence change replaces arginine, which is basic and polar, with glutamine, which is neutral and polar, at codon 1220 of the LAMA1 protein (p.Arg1220Gln). This variant is present in population databases (rs367987988, gnomAD 0.007%). This variant has not been reported in the literature in individuals affected with LAMA1-related conditions. ClinVar contains an entry for this variant (Variation ID: 444423). Invitae Evidence Modeling of protein sequence and biophysical properties (such as structural, functional, and spatial information, amino acid conservation, physicochemical variation, residue mobility, and thermodynamic stability) indicates that this missense variant is not expected to disrupt LAMA1 protein function with a negative predictive value of 80%. In summary, the available evidence is currently insufficient to determine the role of this variant in disease. Therefore, it has been classified as a Variant of Uncertain Significance.

Ambry Genetics
Classification: Uncertain significance for Inborn genetic diseases. Last evaluated: 2024-12-14. Review status: criteria provided, single submitter. Criteria: Ambry Variant Classification Scheme 2023. Collection method: clinical testing. Allele origin: germline.

CeGaT Center for Human Genetics Tuebingen
Classification: Uncertain significance. Last evaluated: 2017-05-01. Review status: criteria provided, single submitter. Criteria: CeGaT Center For Human Genetics Tuebingen Variant Classification Criteria Version 2. Collection method: clinical testing. Allele origin: germline. Affected: yes. Observed: 1 variant allele.

NM_005559.4(LAMA1):c.3659G>A (p.Arg1220Gln)

Gene: LAMA1 (laminin subunit alpha 1; minus strand). Cytogenetic location: 18p11.31.
Variant type: single nucleotide variant.
Coding change: c.3659G>A on transcript NM_005559.4 (MANE Select); coding-DNA position 3659, G replaced by A.
Protein change: p.Arg1220Gln; replaces arginine 1220 with glutamine.
Molecular consequence: missense variant.
Genome position (GRCh38, 1-based): chr18:7,011,328, C>T on the plus strand (G>A on the coding strand, the complement: LAMA1 is on the minus strand). VCF-style: chr18-7011328-C-T. GRCh37 (hg19) VCF-style: chr18-7011327-C-T.
Other names: c.3659G>A (NM_005559.3); short protein forms R1220Q.
Identifiers: ClinVar variation 444423 (VCV000444423.48), dbSNP rs367987988, ClinGen allele CA295775329.